The following is an entry in ClinVar:

ClinVar aggregate classification (germline): Likely benign. Review status: criteria provided, multiple submitters, no conflicts (2 of 4 stars). 3 submissions from 3 submitters: Likely benign (3). Last evaluated 2026-08-01.

Conditions:
Dilated cardiomyopathy 1KK (CMD1KK). Identifiers: Orphanet 154, Orphanet 75249, MedGen C3714995, MONDO:0014100, OMIM 615248.
Cardiovascular phenotype. Identifiers: MedGen CN230736.

Allele frequency attached by ClinVar (database versions not stated): ExAC 0.00001; gnomAD 0.00001; TOPMed 0.00002; gnomAD exomes 0.00003.
gnomAD v4.1: 47 of 1,613,936 alleles (0.0029%); highest among the groups gnomAD compares: Non-Finnish European, 0.0037%; no homozygotes.

Submissions (3):

CeGaT Center for Human Genetics Tuebingen
Classification: Likely benign. Last evaluated: 2026-08-01. Review status: criteria provided, single submitter. Criteria: CeGaT Center For Human Genetics Tuebingen Variant Classification Criteria Version 2. Collection method: clinical testing. Allele origin: germline. Affected: yes. Observed: 1 variant allele.
Comment: MYPN: BP4, BP7

Labcorp Genetics (formerly Invitae), Labcorp
Classification: Likely benign for Dilated cardiomyopathy 1KK. Last evaluated: 2025-10-19. Review status: criteria provided, single submitter. Criteria: Invitae Variant Classification Sherloc (09022015). Collection method: clinical testing. Allele origin: germline.

Ambry Genetics
Classification: Likely benign for Cardiovascular phenotype. Last evaluated: 2019-09-16. Review status: criteria provided, single submitter. Criteria: Ambry Variant Classification Scheme 2023. Collection method: clinical testing. Allele origin: germline.

NM_032578.4(MYPN):c.1653C>T (p.Thr551=)

Gene: MYPN (myopalladin; plus strand). Cytogenetic location: 10q21.3.
Variant type: single nucleotide variant.
Coding change: c.1653C>T on transcript NM_032578.4 (MANE Select); coding-DNA position 1653, C replaced by T.
Protein change: p.Thr551=; no amino-acid change (threonine 551 retained).
Molecular consequence: synonymous variant. On other transcripts: non-coding transcript variant (2).
Genome position (GRCh38, 1-based): chr10:68,166,346, C>T. VCF-style: chr10-68166346-C-T. GRCh37 (hg19) VCF-style: chr10-69926103-C-T.
Other names: c.1653C>T, p.Thr551= (NM_001256267.2); c.771C>T, p.Thr257= (NM_001256268.2).
Identifiers: ClinVar variation 1777293 (VCV001777293.8), dbSNP rs752576213, ClinGen allele CA5522635.